The following is an entry in ClinVar:

ClinVar aggregate classification (germline): Uncertain significance (1 of 4 stars; one submission).

Conditions:
Hereditary cancer-predisposing syndrome. Also called: Tumor predisposition; Hereditary Cancer Syndrome; Hereditary neoplastic syndrome; Neoplastic Syndromes, Hereditary. Identifiers: Orphanet 140162, MedGen C0027672, MeSH D009386, MONDO:0015356.

gnomAD v4.1: 1 of 1,613,730 alleles (0.000062%); no homozygotes.

Submission:

Ambry Genetics
Classification: Uncertain significance for Hereditary cancer-predisposing syndrome. Last evaluated: 2024-04-01. Review status: criteria provided, single submitter. Criteria: Ambry Variant Classification Scheme 2023. Collection method: clinical testing. Allele origin: germline.
Comment: The p.H662R variant (also known as c.1985A>G), located in coding exon 14 of the MSH3 gene, results from an A to G substitution at nucleotide position 1985. The histidine at codon 662 is replaced by arginine, an amino acid with highly similar properties. This amino acid position is conserved. In addition, this alteration is predicted to be tolerated by in silico analysis. Based on the available evidence, the clinical significance of this alteration remains unclear.

NM_002439.5(MSH3):c.1985A>G (p.His662Arg)

Gene: MSH3 (mutS homolog 3; plus strand). Cytogenetic location: 5q14.1.
Variant type: single nucleotide variant.
Coding change: c.1985A>G on transcript NM_002439.5 (MANE Select); coding-DNA position 1985, A replaced by G.
Protein change: p.His662Arg; replaces histidine 662 with arginine.
Molecular consequence: missense variant.
Genome position (GRCh38, 1-based): chr5:80,768,021, A>G. VCF-style: chr5-80768021-A-G. GRCh37 (hg19) VCF-style: chr5-80063840-A-G.
Other names: short protein forms H662R.
Identifiers: ClinVar variation 3296270 (VCV003296270.1).